The following is an entry in ClinVar:

ClinVar aggregate classification (germline): Likely pathogenic (1 of 4 stars; one submission).

Conditions:
Renal tubular acidosis, distal, 3, with or without sensorineural hearing loss (DRTA3). Identifiers: MedGen C5399980, MONDO:0011268, OMIM 602722.

Submission:

First Genomix Gene Laboratory, Genetic Diagnostics Department
Classification: Likely pathogenic for Renal tubular acidosis, distal, 3, with or without sensorineural hearing loss. Last evaluated: 2025-07-16. Review status: criteria provided, single submitter. Criteria: ACMG Guidelines, 2015. Collection method: clinical testing. Allele origin: germline. Inheritance: Autosomal recessive inheritance. Affected: no. Observed: 1 variant allele.

NM_020632.3(ATP6V0A4):c.231del (p.Val78fs)

Gene: ATP6V0A4 (ATPase H+ transporting V0 subunit a4; minus strand). Cytogenetic location: 7q34.
Variant type: Deletion.
Coding change: c.231del on transcript NM_020632.3 (MANE Select); coding-DNA position 231, one base deleted (A; older notation c.231delA).
Protein change: p.Val78fs; shifts the reading frame from valine 78.
Molecular consequence: frameshift variant.
Genome position (GRCh38, 1-based): chr7:138,768,840, T deleted on the plus strand (A on the coding strand, the reverse complement: ATP6V0A4 is on the minus strand). VCF-style (leftmost placement, unchanged base first): chr7-138768839-CT-C. GRCh37 (hg19) VCF-style: chr7-138453584-CT-C.
Other names: c.231del, p.Val78fs (NM_130840.3, NM_130841.3); c.231delA (NM_020632.3); short protein forms V78fs.
Identifiers: ClinVar variation 4849362 (VCV004849362.1).
Genomic context (GRCh38, chr7:138,768,839, plus strand): 5'-CCTCCAGGGTAATCATTTCCCGTGGGAGCGGGGTCAGTGGGCTTTTCTCGAGCAACTGAA[CT>C]ACAATCTCATTTTGCATCTCGTCTTCCAGAAAACCTGAAGAATGAAAACCCACCAGAAAC-3'